The following is an entry in ClinVar:

ClinVar aggregate classification (germline): Benign/Likely benign. Review status: criteria provided, multiple submitters, no conflicts (2 of 4 stars). 5 submissions from 5 submitters: Benign (3); Likely benign (2). Last evaluated 2026-02-05.

Conditions:
EGF-related disorder. Also called: EGF-related condition.
Renal hypomagnesemia 4. Also called: HYPOMAGNESEMIA, RENAL, NORMOCALCIURIC. Identifiers: Orphanet 34527, MedGen C2673648, MONDO:0012717, OMIM 611718.

Allele frequency attached by ClinVar (database versions not stated): TOPMed 0.00180; gnomAD exomes 0.00257; ExAC 0.00260; gnomAD 0.00325; 1000 Genomes Project 30x 0.00328; 1000 Genomes Project 0.00379; ESP Exome Variant Server 0.00092.
gnomAD v4.1: 2,691 of 1,614,028 alleles (0.17%); highest among the groups gnomAD compares: East Asian, 1.5%; 13 homozygotes.

Submissions (5):

PreventionGenetics, part of Exact Sciences
Classification: Benign for EGF-related condition. Last evaluated: 2026-02-05. Review status: criteria provided, single submitter. Criteria: ACMG Guidelines, 2015. Collection method: clinical testing. Allele origin: germline.
Comment: This variant is classified as benign based on ACMG/AMP sequence variant interpretation guidelines (Richards et al. 2015 PMID: 25741868, with internal and published modifications).

Labcorp Genetics (formerly Invitae), Labcorp
Classification: Benign. Last evaluated: 2025-12-24. Review status: criteria provided, single submitter. Criteria: Invitae Variant Classification Sherloc (09022015). Collection method: clinical testing. Allele origin: germline.

Blueprint Genetics
Classification: Likely benign. Last evaluated: 2024-11-26. Review status: criteria provided, single submitter. Criteria: ACMG Guidelines, 2015. Collection method: clinical testing. Allele origin: germline.

GeneDx
Classification: Likely benign. Last evaluated: 2021-10-29. Review status: criteria provided, single submitter. Criteria: GeneDx Variant Classification Process June 2021. Collection method: clinical testing. Allele origin: germline. Affected: yes.
Comment: See Variant Classification Assertion Criteria.

Illumina Laboratory Services, Illumina
Classification: Benign for Renal hypomagnesemia 4. Last evaluated: 2018-01-13. Review status: criteria provided, single submitter. Criteria: ICSL Variant Classification Criteria 13 December 2019. Collection method: clinical testing. Allele origin: germline.
Comment: This variant was observed in the ICSL laboratory as part of a predisposition screen in an ostensibly healthy population. It had not been previously curated by ICSL or reported in the Human Gene Mutation Database (HGMD: prior to June 1st, 2018), and was therefore a candidate for classification through an automated scoring system. Utilizing variant allele frequency, disease prevalence and penetrance estimates, and inheritance mode, an automated score was calculated to assess if this variant is too frequent to cause the disease. Based on the score and internal cut-off values, a variant classified as benign is not then subjected to further curation. The score for this variant resulted in a classification of benign for this disease.

NM_001963.6(EGF):c.3118G>A (p.Val1040Met)

Gene: EGF (epidermal growth factor; plus strand). Cytogenetic location: 4q25.
Variant type: single nucleotide variant.
Coding change: c.3118G>A on transcript NM_001963.6 (MANE Select); coding-DNA position 3118, G replaced by A.
Protein change: p.Val1040Met; replaces valine 1040 with methionine.
Molecular consequence: missense variant.
Genome position (GRCh38, 1-based): chr4:109,999,791, G>A. VCF-style: chr4-109999791-G-A. GRCh37 (hg19) VCF-style: chr4-110920947-G-A.
Other names: c.2995G>A, p.Val999Met (NM_001178130.3); c.2992G>A, p.Val998Met (NM_001178131.3); c.2749G>A, p.Val917Met (NM_001357021.2); short protein forms V1040M, V999M, V917M, V998M.
Identifiers: ClinVar variation 716544 (VCV000716544.15), dbSNP rs75935899, ClinGen allele CA3044179.